The following is an entry in ClinVar:

ClinVar aggregate classification (germline): Likely benign (1 of 4 stars; one submission).

Conditions:
SCAPER-related disorder. Also called: SCAPER-related condition.

Submission:

PreventionGenetics, part of Exact Sciences
Classification: Likely benign for SCAPER-related condition. Last evaluated: 2025-12-26. Review status: criteria provided, single submitter. Criteria: ACMG Guidelines, 2015. Collection method: clinical testing. Allele origin: germline.
Comment: This variant is classified as likely benign based on ACMG/AMP sequence variant interpretation guidelines (Richards et al. 2015 PMID: 25741868, with internal and published modifications).

NM_020843.4(SCAPER):c.*2T>C

Gene: SCAPER (S-phase cyclin A associated protein in the ER; minus strand). Cytogenetic location: 15q24.3.
Variant type: single nucleotide variant.
Coding change: c.*2T>C on transcript NM_020843.4 (MANE Select); 2 bases downstream of the stop codon, T replaced by C.
Molecular consequence: 3 prime UTR variant. On other transcripts: non-coding transcript variant (1).
Genome position (GRCh38, 1-based): chr15:76,348,631, A>G on the plus strand (T>C on the coding strand, the complement: SCAPER is on the minus strand). VCF-style: chr15-76348631-A-G. GRCh37 (hg19) VCF-style: chr15-76640972-A-G.
Other names: c.*2T>C (NM_001145923.2, NM_001353009.2, NM_001353010.2 and 2 more transcripts).
Identifiers: ClinVar variation 4979131 (VCV004979131.1).
Genomic context (GRCh38, chr15:76,348,631, plus strand): 5'-TGTTTGTTTGGACAATTTAAAATATTAACAAGGGTACTCAAATACAGAATCAACCAAAAC[A>G]TTTATTTTTTCTCTTTTTTCAAGAAAAACTGTCGAGCTTCTTCCCAGGCCTGCTGAGGAA-3'